The following is an entry in ClinVar:

ClinVar aggregate classification (germline): Conflicting classifications of pathogenicity. Review status: criteria provided, conflicting classifications (1 of 4 stars). 2 submissions from 1 submitter: Uncertain significance (1); Benign (1). Last evaluated 2018-01-13.

Conditions:
Hypothyroidism due to TSH receptor mutations. Also called: HYPOTHYROIDISM DUE TO UNRESPONSIVENESS TO THYROTROPIN; HYPOTHYROIDISM, CONGENITAL, DUE TO TSH RESISTANCE; HYPOTHYROIDISM, NONAUTOIMMUNE; THYROID-STIMULATING HORMONE, RESISTANCE TO; TSH RESISTANCE; Hypothyroidism, congenital, nongoitrous, 1. Identifiers: Orphanet 90673, MedGen C3493776, MONDO:0010142, OMIM 275200.
Familial hyperthyroidism due to mutations in TSH receptor. Also called: HYPERTHYROIDISM, CONGENITAL NONAUTOIMMUNE; HYPERTHYROIDISM, NONAUTOIMMUNE, AUTOSOMAL DOMINANT; TOXIC THYROID HYPERPLASIA, AUTOSOMAL DOMINANT. Identifiers: Orphanet 424, MedGen C1836706, MONDO:0012203, OMIM 609152.

Allele frequency attached by ClinVar (database versions not stated): gnomAD 0.00313 and 0.00372; TOPMed 0.00348; 1000 Genomes Project 30x 0.00468; 1000 Genomes Project 0.00539; gnomAD exomes 0.00556.
gnomAD v4.1: 1,024 of 232,352 alleles (0.44%); highest among the groups gnomAD compares: Middle Eastern, 2%; 13 homozygotes.

Submissions (2):

Illumina Laboratory Services, Illumina
Classification: Uncertain significance for Hypothyroidism due to TSH receptor mutations. Last evaluated: 2018-01-13. Review status: criteria provided, single submitter. Criteria: ICSL Variant Classification Criteria 13 December 2019. Collection method: clinical testing. Allele origin: germline.

Illumina Laboratory Services, Illumina
Classification: Benign for Familial hyperthyroidism due to mutations in TSH receptor. Last evaluated: 2018-01-13. Review status: criteria provided, single submitter. Criteria: ICSL Variant Classification Criteria 13 December 2019. Collection method: clinical testing. Allele origin: germline.
Comment: This variant was observed in the ICSL laboratory as part of a predisposition screen in an ostensibly healthy population. It had not been previously curated by ICSL or reported in the Human Gene Mutation Database (HGMD: prior to June 1st, 2018), and was therefore a candidate for classification through an automated scoring system. Utilizing variant allele frequency, disease prevalence and penetrance estimates, and inheritance mode, an automated score was calculated to assess if this variant is too frequent to cause the disease. Based on the score and internal cut-off values, a variant classified as benign is not then subjected to further curation. The score for this variant resulted in a classification of benign for this disease.

NM_000369.5(TSHR):c.*1580A>G

Genes: TSHR (thyroid stimulating hormone receptor; plus strand), TSHR-AS1 (TSHR antisense RNA 1; minus strand). Cytogenetic location: 14q31.1.
Variant type: single nucleotide variant.
Coding change: c.*1580A>G on transcript NM_000369.5 (MANE Select); 1580 bases downstream of the stop codon, A replaced by G.
Molecular consequence: 3 prime UTR variant.
Genome position (GRCh38, 1-based): chr14:81,145,933, A>G. VCF-style: chr14-81145933-A-G. GRCh37 (hg19) VCF-style: chr14-81612277-A-G.
Identifiers: ClinVar variation 314720 (VCV000314720.5), dbSNP rs189084497, ClinGen allele CA10646449.
Genomic context (GRCh38, chr14:81,145,933, plus strand): 5'-CTTCTGAATGCTCATAAACCACACCATGAAATAAAAGCTCTTTGTTGTTTTAAGATTGTG[A>G]AGTGTCGTTAATGGGTCCCCACAGATGGTCCCTGCTGGACTCACCTGGAATCTCTCCACA-3'